The following is an entry in ClinVar:

NM_001319206.4(MEF2A):c.1253AGC[5] (p.Gln423_Gln428del)

Gene: MEF2A (myocyte enhancer factor 2A; plus strand). Cytogenetic location: 15q26.3.
Variant type: Microsatellite.
Coding change: c.1253AGC[5] on transcript NM_001319206.4 (MANE Select); five copies in a row of the 3-base unit AGC starting at c.1253; the reference has 11 copies in a row; six copies, 18 bases deleted.
Protein change: p.Gln423_Gln428del.
Molecular consequence: inframe deletion.
Genome position (GRCh38, 1-based): chr15:99,712,521-99,712,538, AGCAGCAGCAGCAGCAGC deleted; deleting any 18 consecutive bases within chr15:99,712,505-99,712,538 gives the same sequence; the position shown is the placement nearest the transcript's 3' end. VCF-style (leftmost placement, unchanged base first): chr15-99712504-CCAGCAGCAGCAGCAGCAG-C. GRCh37 (hg19) VCF-style: chr15-100252709-CCAGCAGCAGCAGCAGCAG-C.
Other names: c.1229AGC[5], p.Gln415_Gln420del (NM_001400056.1, NM_001400057.1, NM_001400058.1 and 15 more transcripts); c.1055AGC[5], p.Gln357_Gln362del (NM_001400067.1); c.1031AGC[5], p.Gln349_Gln354del (NM_001400068.1, NM_001393558.2); c.893AGC[5], p.Gln303_Gln308del (NM_001400069.1); c.1235AGC[5], p.Gln417_Gln422del (NM_005587.6, NM_001400039.1, NM_001400040.1 and 8 more transcripts); c.1253AGC[5], p.Gln423_Gln428del (NM_001400036.1, NM_001352616.4, NM_001365205.3 and 5 more transcripts); c.1247AGC[5], p.Gln421_Gln426del (NM_001400037.1, NM_001352618.4, NM_001365206.3); c.1049AGC[5], p.Gln355_Gln360del (NM_001130927.5, NM_001365209.3); and 6 more.
Identifiers: ClinVar variation 3891652 (VCV003891652.3).
Genomic context (GRCh38, chr15:99,712,504, plus strand): 5'-CATCAGCATCAAGTCCGAACCGATTTCACCTCCTCGGGATCGTATGACCCCATCGGGCTT[CCAGCAGCAGCAGCAGCAG>C]CAGCAGCAGCAGCAGCCGCCGCCACCACCGCAGCCCCAGCCACAACCCCCGCAGCCCCAG-3'

ClinVar aggregate classification (germline): Conflicting classifications of pathogenicity. Review status: criteria provided, conflicting classifications (1 of 4 stars). 2 submissions from 2 submitters: Uncertain significance (1); Likely benign (1). Last evaluated 2026-05-01.

Conditions:
Coronary artery disease, autosomal dominant, 1 (ADCAD1). Also called: CORONARY ARTERY DISEASE WITH MYOCARDIAL INFARCTION. Identifiers: MedGen C1842247, MONDO:0012011, OMIM 608320.

Submissions (2):

CeGaT Center for Human Genetics Tuebingen
Classification: Likely benign. Last evaluated: 2026-05-01. Review status: criteria provided, single submitter. Criteria: CeGaT Center For Human Genetics Tuebingen Variant Classification Criteria Version 2. Collection method: clinical testing. Allele origin: germline. Affected: yes. Observed: 2 variant alleles.
Comment: MEF2A: BS2

Department of Pathology and Laboratory Medicine, Sinai Health System
Classification: Uncertain significance for Coronary artery disease, autosomal dominant, 1. Last evaluated: 2023-11-26. Review status: criteria provided, single submitter. Criteria: ACMG Guidelines, 2015. Collection method: research. Allele origin: germline.